The following is an entry in ClinVar:

NM_000245.4(MET):c.1805G>T (p.Arg602Ile)

Gene: MET (MET proto-oncogene, receptor tyrosine kinase; plus strand). Cytogenetic location: 7q31.2.
Variant type: single nucleotide variant.
Coding change: c.1805G>T on transcript NM_000245.4 (MANE Select); coding-DNA position 1805, G replaced by T.
Protein change: p.Arg602Ile; replaces arginine 602 with isoleucine.
Molecular consequence: missense variant.
Genome position (GRCh38, 1-based): chr7:116,755,458, G>T. VCF-style: chr7-116755458-G-T. GRCh37 (hg19) VCF-style: chr7-116395512-G-T.
Other names: c.1805G>T, p.Arg602Ile (NM_001127500.3, NM_001324401.3); c.515G>T, p.Arg172Ile (NM_001324402.2); short protein forms R602I, R172I.
Identifiers: ClinVar variation 2495294 (VCV002495294.2), dbSNP rs1484732727, ClinGen allele CA368978039.

ClinVar aggregate classification (germline): Uncertain significance (1 of 4 stars; one submission).

Conditions:
Hereditary cancer-predisposing syndrome. Also called: Neoplastic Syndromes, Hereditary; Hereditary neoplastic syndrome; Tumor predisposition; Hereditary Cancer Syndrome. Identifiers: Orphanet 140162, MedGen C0027672, MeSH D009386, MONDO:0015356.

gnomAD v4.1: 1 of 1,614,134 alleles (0.000062%); highest among the groups gnomAD compares: Non-Finnish European, 0.000085%; no homozygotes.

Submission:

Ambry Genetics
Classification: Uncertain significance for Hereditary cancer-predisposing syndrome. Last evaluated: 2023-01-13. Review status: criteria provided, single submitter. Criteria: Ambry Variant Classification Scheme 2023. Collection method: clinical testing. Allele origin: germline.
Comment: The p.R602I variant (also known as c.1805G>T), located in coding exon 5 of the MET gene, results from a G to T substitution at nucleotide position 1805. The arginine at codon 602 is replaced by isoleucine, an amino acid with similar properties. This amino acid position is conserved. In addition, this alteration is predicted to be tolerated by in silico analysis. Since supporting evidence is limited at this time, the clinical significance of this alteration remains unclear.